The following is an entry in ClinVar:

ClinVar aggregate classification (germline): Uncertain significance (1 of 4 stars; one submission).

Conditions:
Atypical hemolytic-uremic syndrome with I factor anomaly. Also called: HEMOLYTIC UREMIC SYNDROME, ATYPICAL, SUSCEPTIBILITY TO, 3; AHUS, SUSCEPTIBILITY TO, 3. Identifiers: Orphanet 2134, MedGen C2752039, MONDO:0013041, OMIM 612923.

Allele frequency attached by ClinVar (database versions not stated): gnomAD 0.00001.
gnomAD v4.1: 1 of 1,614,062 alleles (0.000062%); highest among the groups gnomAD compares: East Asian, 0.0022%; no homozygotes.

Submission:

MVZ Medizinische Genetik Mainz
Classification: Uncertain significance for Atypical hemolytic-uremic syndrome with I factor anomaly. Last evaluated: 2023-05-09. Review status: criteria provided, single submitter. Criteria: UK Practice Guidelines For Variant Classification V4 01 2020. Collection method: clinical testing. Allele origin: germline. Inheritance: Autosomal dominant inheritance. Affected: yes. Observed: 1 variant allele.
Comment: ACMG Criteria: PM2_SUP,BP4

NM_000204.5(CFI):c.1279C>A (p.Gln427Lys)

Gene: CFI (complement factor I; minus strand). Cytogenetic location: 4q25.
Variant type: single nucleotide variant.
Coding change: c.1279C>A on transcript NM_000204.5 (MANE Select); coding-DNA position 1279, C replaced by A.
Protein change: p.Gln427Lys; replaces glutamine 427 with lysine.
Molecular consequence: missense variant. On other transcripts: non-coding transcript variant (2).
Genome position (GRCh38, 1-based): chr4:109,746,372, G>T on the plus strand (C>A on the coding strand, the complement: CFI is on the minus strand). VCF-style: chr4-109746372-G-T. GRCh37 (hg19) VCF-style: chr4-110667528-G-T.
Other names: c.1303C>A, p.Gln435Lys (NM_001318057.2, NM_001375278.1); c.1258C>A, p.Gln420Lys (NM_001331035.2, NM_001375280.1, NM_001375282.1); c.1279C>A, p.Gln427Lys (NM_001375279.1, NM_001375281.1); c.1222C>A, p.Gln408Lys (NM_001375283.1); c.670C>A, p.Gln224Lys (NM_001375284.1); short protein forms Q224K, Q408K, Q420K, Q427K, Q435K.
Identifiers: ClinVar variation 3066155 (VCV003066155.1), dbSNP rs1320920624, ClinGen allele CA357857150.